The following is an entry in ClinVar:

ClinVar aggregate classification (germline): Uncertain significance (1 of 4 stars; one submission).

Conditions:
Premature ovarian failure 7 (POF7). Identifiers: MedGen C2751825, MONDO:0013065, OMIM 612964.

gnomAD v4.1: 1 of 1,609,628 alleles (0.000062%); highest among the groups gnomAD compares: East Asian, 0.0022%; no homozygotes.

Submission:

Juno Genomics, Hangzhou Juno Genomics, Inc
Classification: Uncertain significance for Premature ovarian failure 7. Review status: criteria provided, single submitter. Criteria: ACMG Guidelines, 2015. Collection method: clinical testing. Allele origin: germline. Affected: yes.
Comment: Absent from controls (or at extremely low frequency if recessive) in Genome Aggregation Database, Exome Sequencing Project, 1000 Genomes Project, or Exome Aggregation Consortium.

NM_004959.5(NR5A1):c.8A>G (p.Tyr3Cys)

Gene: NR5A1 (nuclear receptor subfamily 5 group A member 1; minus strand). Cytogenetic location: 9q33.3.
Variant type: single nucleotide variant.
Coding change: c.8A>G on transcript NM_004959.5 (MANE Select); coding-DNA position 8, A replaced by G.
Protein change: p.Tyr3Cys; replaces tyrosine 3 with cysteine.
Molecular consequence: missense variant.
Genome position (GRCh38, 1-based): chr9:124,503,388, T>C on the plus strand (A>G on the coding strand, the complement: NR5A1 is on the minus strand). VCF-style: chr9-124503388-T-C. GRCh37 (hg19) VCF-style: chr9-127265667-T-C.
Other names: short protein forms Y3C.
Identifiers: ClinVar variation 3383135 (VCV003383135.2).
Genomic context (GRCh38, chr9:124,503,388, plus strand): 5'-TAGCCGGACACCTTGTCCCCGCACACGGGGCACAGCTCGTCCAGGTCCTCGTCGTACGAA[T>C]AGTCCATGCCCGCGGCGTCCGCCTGCGGAGGGACAGCGGGTCAGGGAGGGCCGGCGGAGA-3'
Protein context (NP_004950.2, residues 1-13): MD[Tyr3Cys]SYDEDLDELC